The following is an entry in ClinVar:

ClinVar aggregate classification (germline): Conflicting classifications of pathogenicity. Review status: criteria provided, conflicting classifications (1 of 4 stars). 5 submissions from 5 submitters: Uncertain significance (4); Likely benign (1). Last evaluated 2025-12-22.

Conditions:
Spermatogenic failure 18. Identifiers: MedGen C4539783, MONDO:0054615, OMIM 617576.
Ciliary dyskinesia, primary, 37 (CILD37). Also called: CILIARY DYSKINESIA, PRIMARY, 37, WITH OR WITHOUT SITUS INVERSUS. Identifiers: MedGen C4539798, MONDO:0033204, OMIM 617577.
DNAH1-related disorder. Also called: DNAH1-related condition.

Allele frequency attached by ClinVar (database versions not stated): gnomAD exomes 0.00004 and 0.00013; ExAC 0.00028; gnomAD 0.00056 and 0.00065; ESP Exome Variant Server 0.00064; TOPMed 0.00067.
gnomAD v4.1: 145 of 1,602,706 alleles (0.009%); highest among the groups gnomAD compares: African/African-American, 0.17%; no homozygotes.

Submissions (5):

Labcorp Genetics (formerly Invitae), Labcorp
Classification: Likely benign for Ciliary dyskinesia, primary, 37; Spermatogenic failure 18. Last evaluated: 2025-12-22. Review status: criteria provided, single submitter. Criteria: Invitae Variant Classification Sherloc (09022015). Collection method: clinical testing. Allele origin: germline.

GeneDx
Classification: Uncertain significance. Last evaluated: 2024-01-31. Review status: criteria provided, single submitter. Criteria: GeneDx Variant Classification Process June 2021. Collection method: clinical testing. Allele origin: germline. Affected: yes.
Comment: In silico analysis supports that this missense variant has a deleterious effect on protein structure/function; Has not been previously published as pathogenic or benign to our knowledge

Ambry Genetics
Classification: Uncertain significance. Last evaluated: 2023-10-05. Review status: criteria provided, single submitter. Criteria: Ambry Variant Classification Scheme 2023. Collection method: clinical testing. Allele origin: germline.

Blueprint Genetics
Classification: Uncertain significance. Last evaluated: 2023-10-04. Review status: criteria provided, single submitter. Criteria: ACMG Guidelines, 2015. Collection method: clinical testing. Allele origin: germline.

PreventionGenetics, part of Exact Sciences
Classification: Uncertain significance for DNAH1-related condition. Last evaluated: 2023-03-20. Review status: criteria provided, single submitter. Criteria: ACMG Guidelines, 2015. Collection method: clinical testing. Allele origin: germline.
Comment: The DNAH1 c.1087T>C variant is predicted to result in the amino acid substitution p.Phe363Leu. To our knowledge, this variant has not been reported in the literature. This variant is reported in 0.19% of alleles in individuals of African descent in gnomAD, which may be high to be an undocumented cause of disease. Although we suspect that this variant may be benign, at this time, the clinical significance of this variant is uncertain due to the absence of conclusive functional and genetic evidence.

NM_015512.5(DNAH1):c.1087T>C (p.Phe363Leu)

Gene: DNAH1 (dynein axonemal heavy chain 1; plus strand). Cytogenetic location: 3p21.1.
Variant type: single nucleotide variant.
Coding change: c.1087T>C on transcript NM_015512.5 (MANE Select); coding-DNA position 1087, T replaced by C.
Protein change: p.Phe363Leu; replaces phenylalanine 363 with leucine.
Molecular consequence: missense variant.
Genome position (GRCh38, 1-based): chr3:52,332,195, T>C. VCF-style: chr3-52332195-T-C. GRCh37 (hg19) VCF-style: chr3-52366211-T-C.
Other names: short protein forms F363L.
Identifiers: ClinVar variation 566945 (VCV000566945.15), dbSNP rs200013928, ClinGen allele CA2432867.